The following is an entry in ClinVar:

NM_002439.5(MSH3):c.2504T>G (p.Phe835Cys)

Gene: MSH3 (mutS homolog 3; plus strand). Cytogenetic location: 5q14.1.
Variant type: single nucleotide variant.
Coding change: c.2504T>G on transcript NM_002439.5 (MANE Select); coding-DNA position 2504, T replaced by G.
Protein change: p.Phe835Cys; replaces phenylalanine 835 with cysteine.
Molecular consequence: missense variant.
Genome position (GRCh38, 1-based): chr5:80,787,633, T>G. VCF-style: chr5-80787633-T-G. GRCh37 (hg19) VCF-style: chr5-80083452-T-G.
Other names: short protein forms F835C.
Identifiers: ClinVar variation 1792299 (VCV001792299.8), dbSNP rs2546784349, ClinGen allele CA360283301.

ClinVar aggregate classification (germline): Uncertain significance. Review status: criteria provided, multiple submitters, no conflicts (2 of 4 stars). 2 submissions from 2 submitters: Uncertain significance (2). Last evaluated 2025-09-10.

Conditions:
Hereditary cancer-predisposing syndrome. Also called: Hereditary Cancer Syndrome; Hereditary neoplastic syndrome; Tumor predisposition; Neoplastic Syndromes, Hereditary. Identifiers: Orphanet 140162, MedGen C0027672, MeSH D009386, MONDO:0015356.

Submissions (2):

Ambry Genetics
Classification: Uncertain significance for Hereditary cancer-predisposing syndrome. Last evaluated: 2025-09-10. Review status: criteria provided, single submitter. Criteria: Ambry Variant Classification Scheme 2023. Collection method: clinical testing. Allele origin: germline.
Comment: The p.F835C variant (also known as c.2504T>G), located in coding exon 18 of the MSH3 gene, results from a T to G substitution at nucleotide position 2504. The phenylalanine at codon 835 is replaced by cysteine, an amino acid with highly dissimilar properties. This amino acid position is conserved. In addition, this alteration is predicted to be deleterious by in silico analysis. Since supporting evidence is limited at this time, the clinical significance of this alteration remains unclear.

Labcorp Genetics (formerly Invitae), Labcorp
Classification: Uncertain significance. Last evaluated: 2022-03-07. Review status: criteria provided, single submitter. Criteria: Invitae Variant Classification Sherloc (09022015). Collection method: clinical testing. Allele origin: germline.
Comment: In summary, the available evidence is currently insufficient to determine the role of this variant in disease. Therefore, it has been classified as a Variant of Uncertain Significance. Algorithms developed to predict the effect of missense changes on protein structure and function are either unavailable or do not agree on the potential impact of this missense change (SIFT: "Deleterious"; PolyPhen-2: "Probably Damaging"; Align-GVGD: "Class C0"). This variant has not been reported in the literature in individuals affected with MSH3-related conditions. This variant is not present in population databases (gnomAD no frequency). This sequence change replaces phenylalanine, which is neutral and non-polar, with cysteine, which is neutral and slightly polar, at codon 835 of the MSH3 protein (p.Phe835Cys).